The following is an entry in ClinVar:

ClinVar aggregate classification (germline): Uncertain significance (1 of 4 stars; one submission).

Conditions:
Severe combined immunodeficiency due to LCK deficiency. Also called: Immunodeficiency 22. Identifiers: Orphanet 280142, MedGen C4014233, MONDO:0014334, OMIM 615758.

Allele frequency attached by ClinVar (database versions not stated): gnomAD exomes below 0.00001.
gnomAD v4.1: 3 of 1,612,164 alleles (0.00019%); highest among the groups gnomAD compares: Non-Finnish European, 0.00017%; no homozygotes.

Submission:

Labcorp Genetics (formerly Invitae), Labcorp
Classification: Uncertain significance for Severe combined immunodeficiency due to LCK deficiency. Last evaluated: 2021-07-22. Review status: criteria provided, single submitter. Criteria: Invitae Variant Classification Sherloc (09022015). Collection method: clinical testing. Allele origin: germline.
Comment: Algorithms developed to predict the effect of missense changes on protein structure and function (SIFT, PolyPhen-2, Align-GVGD) all suggest that this variant is likely to be disruptive, but these predictions have not been confirmed by published functional studies and their clinical significance is uncertain. This variant has not been reported in the literature in individuals with LCK-related conditions. This variant is not present in population databases (ExAC no frequency). This sequence change replaces proline with leucine at codon 232 of the LCK protein (p.Pro232Leu). The proline residue is highly conserved and there is a moderate physicochemical difference between proline and leucine. In summary, the available evidence is currently insufficient to determine the role of this variant in disease. Therefore, it has been classified as a Variant of Uncertain Significance.

NM_005356.5(LCK):c.695C>T (p.Pro232Leu)

Gene: LCK (LCK proto-oncogene, Src family tyrosine kinase; plus strand). Cytogenetic location: 1p35.2.
Variant type: single nucleotide variant.
Coding change: c.695C>T on transcript NM_005356.5 (MANE Select); coding-DNA position 695, C replaced by T.
Protein change: p.Pro232Leu; replaces proline 232 with leucine.
Molecular consequence: missense variant. On other transcripts: intron variant (1).
Genome position (GRCh38, 1-based): chr1:32,276,400, C>T. VCF-style: chr1-32276400-C-T. GRCh37 (hg19) VCF-style: chr1-32742001-C-T.
Other names: c.695C>T, p.Pro232Leu (NM_001042771.3); c.632-207C>T (NM_001330468.2); short protein forms P232L.
Identifiers: ClinVar variation 999434 (VCV000999434.8), dbSNP rs1640272054, ClinGen allele CA339638848.